The following is an entry in ClinVar:

NM_022552.5(DNMT3A):c.257A>G (p.Glu86Gly)

Gene: DNMT3A (DNA methyltransferase 3 alpha; minus strand). Cytogenetic location: 2p23.3.
Variant type: single nucleotide variant.
Coding change: c.257A>G on transcript NM_022552.5 (MANE Select); coding-DNA position 257, A replaced by G.
Protein change: p.Glu86Gly; replaces glutamic acid 86 with glycine.
Molecular consequence: missense variant. On other transcripts: non-coding transcript variant (1).
Genome position (GRCh38, 1-based): chr2:25,282,632, T>C on the plus strand (A>G on the coding strand, the complement: DNMT3A is on the minus strand). VCF-style: chr2-25282632-T-C. GRCh37 (hg19) VCF-style: chr2-25505501-T-C.
Other names: c.257A>G, p.Glu86Gly (NM_001320892.2, NM_175629.2, NM_175630.1); short protein forms E86G.
Identifiers: ClinVar variation 3774909 (VCV003774909.1).

ClinVar aggregate classification (germline): Uncertain significance (1 of 4 stars; one submission).

Submission:

GeneDx
Classification: Uncertain significance. Last evaluated: 2024-09-30. Review status: criteria provided, single submitter. Criteria: GeneDx Variant Classification Process June 2021. Collection method: clinical testing. Allele origin: germline. Affected: yes.
Comment: Not observed at significant frequency in large population cohorts (gnomAD); In silico analysis supports that this missense variant has a deleterious effect on protein structure/function; Has not been previously published as pathogenic or benign to our knowledge